The following is an entry in ClinVar:

ClinVar aggregate classification (germline): Uncertain significance (1 of 4 stars; one submission).

Conditions:
Hereditary cancer-predisposing syndrome. Also called: Tumor predisposition; Hereditary neoplastic syndrome; Neoplastic Syndromes, Hereditary; Hereditary Cancer Syndrome. Identifiers: Orphanet 140162, MedGen C0027672, MeSH D009386, MONDO:0015356.

Submission:

Ambry Genetics
Classification: Uncertain significance for Hereditary cancer-predisposing syndrome. Last evaluated: 2025-04-18. Review status: criteria provided, single submitter. Criteria: Ambry Variant Classification Scheme 2023. Collection method: clinical testing. Allele origin: germline.
Comment: The p.R245G variant (also known as c.733A>G), located in coding exon 5 of the DICER1 gene, results from an A to G substitution at nucleotide position 733. The arginine at codon 245 is replaced by glycine, an amino acid with dissimilar properties. This amino acid position is highly conserved in available vertebrate species. In addition, this alteration is predicted to be deleterious by in silico analysis. Based on the available evidence, the clinical significance of this variant remains unclear.

NM_177438.3(DICER1):c.733A>G (p.Arg245Gly)

Gene: DICER1 (dicer 1, ribonuclease III; minus strand). Cytogenetic location: 14q32.13.
Variant type: single nucleotide variant.
Coding change: c.733A>G on transcript NM_177438.3 (MANE Select); coding-DNA position 733, A replaced by G.
Protein change: p.Arg245Gly; replaces arginine 245 with glycine.
Molecular consequence: missense variant. On other transcripts: 5 prime UTR variant (1), non-coding transcript variant (6).
Genome position (GRCh38, 1-based): chr14:95,129,473, T>C on the plus strand (A>G on the coding strand, the complement: DICER1 is on the minus strand). VCF-style: chr14-95129473-T-C. GRCh37 (hg19) VCF-style: chr14-95595810-T-C.
Other names: c.733A>G, p.Arg245Gly (NM_001195573.1, NM_001271282.3, NM_001291628.2 and 14 more transcripts); c.451A>G, p.Arg151Gly (NM_001395686.1); c.328A>G, p.Arg110Gly (NM_001395687.1, NM_001395688.1, NM_001395689.1 and 3 more transcripts); c.166A>G, p.Arg56Gly (NM_001395691.1); c.-836A>G (NM_001395697.1); short protein forms R151G, R56G, R245G, R110G.
Identifiers: ClinVar variation 4011613 (VCV004011613.1).
Genomic context (GRCh38, chr14:95,129,473, plus strand): 5'-AAGACTTAATATTGTTTTCAACTAATCTCATTAAAGCTGAGTCAATCAGAAGTGCATACC[T>C]GTCTAAGACCACCAGGTCAGTTGCAGTTTCAGCATTACTCTTAAGAATTTTCTCTAGTTT-3'
Protein context (NP_803187.1, residues 235-255): ETATDLVVLD[Arg245Gly]YTSQPCEIVV